The following is an entry in ClinVar:

ClinVar aggregate classification (germline): Uncertain significance (1 of 4 stars; one submission).

Allele frequency attached by ClinVar (database versions not stated): gnomAD exomes below 0.00001.
gnomAD v4.1: 4 of 1,614,028 alleles (0.00025%); highest among the groups gnomAD compares: Middle Eastern, 0.033%; no homozygotes.

Submission:

Labcorp Genetics (formerly Invitae), Labcorp
Classification: Uncertain significance. Last evaluated: 2023-09-23. Review status: criteria provided, single submitter. Criteria: Invitae Variant Classification Sherloc (09022015). Collection method: clinical testing. Allele origin: germline.
Comment: In summary, the available evidence is currently insufficient to determine the role of this variant in disease. Therefore, it has been classified as a Variant of Uncertain Significance. An algorithm developed to predict the effect of missense changes on protein structure and function (PolyPhen-2) suggests that this variant is likely to be tolerated. This variant has not been reported in the literature in individuals affected with NDUFB10-related conditions. This variant is not present in population databases (gnomAD no frequency). This sequence change replaces methionine, which is neutral and non-polar, with valine, which is neutral and non-polar, at codon 84 of the NDUFB10 protein (p.Met84Val).

NM_004548.3(NDUFB10):c.250A>G (p.Met84Val)

Gene: NDUFB10 (NADH:ubiquinone oxidoreductase subunit B10; plus strand). Cytogenetic location: 16p13.3.
Variant type: single nucleotide variant.
Coding change: c.250A>G on transcript NM_004548.3 (MANE Select); coding-DNA position 250, A replaced by G.
Protein change: p.Met84Val; replaces methionine 84 with valine.
Molecular consequence: missense variant.
Genome position (GRCh38, 1-based): chr16:1,961,272, A>G. VCF-style: chr16-1961272-A-G. GRCh37 (hg19) VCF-style: chr16-2011273-A-G.
Other names: short protein forms M84V.
Identifiers: ClinVar variation 2871628 (VCV002871628.3), dbSNP rs1567315911, ClinGen allele CA394264588.
Genomic context (GRCh38, chr16:1,961,272, plus strand): 5'-CGCGTGCCAGACATCACTGAGTGCAAGGAGGAGGACATCATGTGCATGTATGAAGCCGAA[A>G]TGCAGTGGAAGAGGGACTAGTACGTGAGCCATGCTGGGAGTGTGGAGATCTGCACCGTGT-3'
Protein context (NP_004539.1, residues 74-94): EDIMCMYEAE[Met84Val]QWKRDYKVDQ